The following is an entry in ClinVar:

NM_002890.3(RASA1):c.39G>T (p.Pro13=)

Gene: RASA1 (RAS p21 protein activator 1; plus strand). Cytogenetic location: 5q14.3.
Variant type: single nucleotide variant.
Coding change: c.39G>T on transcript NM_002890.3 (MANE Select); coding-DNA position 39, G replaced by T.
Protein change: p.Pro13=; no amino-acid change (proline 13 retained).
Molecular consequence: synonymous variant.
Genome position (GRCh38, 1-based): chr5:87,268,490, G>T. VCF-style: chr5-87268490-G-T. GRCh37 (hg19) VCF-style: chr5-86564307-G-T.
Other names: p.Pro13=.
Identifiers: ClinVar variation 1656594 (VCV001656594.11), dbSNP rs969604375, ClinGen allele CA122462649.
Genomic context (GRCh38, chr5:87,268,490, plus strand): 5'-GCAGAGTAGAGCGGGCTTCAACATGATGGCGGCCGAGGCCGGCAGTGAGGAGGGCGGCCC[G>T]GTAACAGCCGGAGCTGGAGGAGGCGGCGCGGCAGCGGGCTCCAGTGCCTATCCCGCAGTG-3'
Protein context (NP_002881.1, residues 3-23): AAEAGSEEGG[Pro13=]VTAGAGGGGA

ClinVar aggregate classification (germline): Likely benign. Review status: criteria provided, multiple submitters, no conflicts (2 of 4 stars). 3 submissions from 3 submitters: Likely benign (3). Last evaluated 2025-10-17.

Conditions:
Capillary malformation-arteriovenous malformation syndrome. Also called: Capillary malformation-arteriovenous malformation. Identifiers: Orphanet 137667, MedGen C1842180, MONDO:0012016.
Cardiovascular phenotype. Identifiers: MedGen CN230736.

Allele frequency attached by ClinVar (database versions not stated): gnomAD 0.00002; TOPMed 0.00005.
gnomAD v4.1: 9 of 1,557,948 alleles (0.00058%); highest among the groups gnomAD compares: Admixed American, 0.0078%; no homozygotes.

Submissions (3):

Mayo Clinic Laboratories, Mayo Clinic
Classification: Likely benign. Last evaluated: 2025-10-17. Review status: criteria provided, single submitter. Criteria: ACMG Guidelines, 2015. Collection method: clinical testing. Allele origin: germline. Observed: 1 variant allele.
Comment: BP4, BP7, PM2_supporting

Labcorp Genetics (formerly Invitae), Labcorp
Classification: Likely benign for Capillary malformation-arteriovenous malformation syndrome. Last evaluated: 2024-11-12. Review status: criteria provided, single submitter. Criteria: Invitae Variant Classification Sherloc (09022015). Collection method: clinical testing. Allele origin: germline.

Ambry Genetics
Classification: Likely benign for Cardiovascular phenotype. Last evaluated: 2019-05-17. Review status: criteria provided, single submitter. Criteria: Ambry Variant Classification Scheme 2023. Collection method: clinical testing. Allele origin: germline.